The following is an entry in ClinVar:

ClinVar aggregate classification (germline): Uncertain significance. Review status: criteria provided, multiple submitters, no conflicts (2 of 4 stars). 3 submissions from 3 submitters: Uncertain significance (3). Last evaluated 2022-11-25.

Conditions:
Cardiovascular phenotype. Identifiers: MedGen CN230736.
Hereditary cancer-predisposing syndrome. Also called: Neoplastic Syndromes, Hereditary; Tumor predisposition; Hereditary Cancer Syndrome; Hereditary neoplastic syndrome. Identifiers: Orphanet 140162, MedGen C0027672, MeSH D009386, MONDO:0015356.
Neurofibromatosis, type 1 (NF1). Also called: VON RECKLINGHAUSEN DISEASE; Peripheral type neurofibromatosis; NEUROFIBROMATOSIS, TYPE I, SOMATIC; Neurofibromatosis, type I. Identifiers: Orphanet 636, MedGen C0027831, MONDO:0018975, OMIM 162200. Disease mechanism: loss of function.

Submissions (3):

Blueprint Genetics
Classification: Uncertain significance. Last evaluated: 2022-11-25. Review status: criteria provided, single submitter. Criteria: ACMG Guidelines, 2015. Collection method: clinical testing. Allele origin: germline.

Labcorp Genetics (formerly Invitae), Labcorp
Classification: Uncertain significance for Neurofibromatosis, type 1. Last evaluated: 2022-10-22. Review status: criteria provided, single submitter. Criteria: Invitae Variant Classification Sherloc (09022015). Collection method: clinical testing. Allele origin: germline.
Comment: This sequence change replaces serine, which is neutral and polar, with glycine, which is neutral and non-polar, at codon 2684 of the NF1 protein (p.Ser2684Gly). This variant is not present in population databases (gnomAD no frequency). This variant has not been reported in the literature in individuals affected with NF1-related conditions. ClinVar contains an entry for this variant (Variation ID: 827421). Algorithms developed to predict the effect of missense changes on protein structure and function are either unavailable or do not agree on the potential impact of this missense change (SIFT: "Deleterious"; PolyPhen-2: "Benign"; Align-GVGD: "Class C0"). Algorithms developed to predict the effect of sequence changes on RNA splicing suggest that this variant may disrupt the consensus splice site. In summary, the available evidence is currently insufficient to determine the role of this variant in disease. Therefore, it has been classified as a Variant of Uncertain Significance.

Ambry Genetics
Classification: Uncertain significance for Cardiovascular phenotype; Hereditary cancer-predisposing syndrome. Last evaluated: 2019-02-06. Review status: criteria provided, single submitter. Criteria: Ambry Variant Classification Scheme 2023. Collection method: clinical testing. Allele origin: germline.
Comment: The p.S2684G variant (also known as c.8050A>G), located in coding exon 54 of the NF1 gene, results from an A to G substitution at nucleotide position 8050. The amino acid change results in serine to glycine at codon 2684, an amino acid with similar properties. This change occurs in the last base pair of coding exon 54; however, in silico models do not predict a deleterious effect on mRNA splicing. This amino acid position is highly conserved in available vertebrate species. In addition, this alteration is predicted to be tolerated by in silico analysis. Since supporting evidence is limited at this time, the clinical significance of this alteration remains unclear.

NM_001042492.3(NF1):c.8113A>G (p.Ser2705Gly)

Gene: NF1 (neurofibromin 1; plus strand). Cytogenetic location: 17q11.2.
Variant type: single nucleotide variant.
Coding change: c.8113A>G on transcript NM_001042492.3 (MANE Select); coding-DNA position 8113, A replaced by G.
Protein change: p.Ser2705Gly; replaces serine 2705 with glycine.
Molecular consequence: missense variant.
Genome position (GRCh38, 1-based): chr17:31,358,622, A>G. VCF-style: chr17-31358622-A-G. GRCh37 (hg19) VCF-style: chr17-29685640-A-G.
Other names: c.8050A>G, p.Ser2684Gly (NM_000267.4); short protein forms S2684G, S2705G.
Identifiers: ClinVar variation 827421 (VCV000827421.10), dbSNP rs1597868305, ClinGen allele CA399204023.